The following is an entry in ClinVar:

ClinVar aggregate classification (germline): Uncertain significance (1 of 4 stars; one submission).

Allele frequency attached by ClinVar (database versions not stated): gnomAD 0.00001; gnomAD exomes 0.00001.
gnomAD v4.1: 8 of 1,510,626 alleles (0.00053%); highest among the groups gnomAD compares: African/African-American, 0.0028%; no homozygotes.

Submission:

Labcorp Genetics (formerly Invitae), Labcorp
Classification: Uncertain significance. Last evaluated: 2022-06-05. Review status: criteria provided, single submitter. Criteria: Invitae Variant Classification Sherloc (09022015). Collection method: clinical testing. Allele origin: germline.
Comment: This sequence change replaces aspartic acid, which is acidic and polar, with glutamic acid, which is acidic and polar, at codon 830 of the CCDC88A protein (p.Asp830Glu). This variant is not present in population databases (gnomAD no frequency). This variant has not been reported in the literature in individuals affected with CCDC88A-related conditions. ClinVar contains an entry for this variant (Variation ID: 1348343). Algorithms developed to predict the effect of missense changes on protein structure and function are either unavailable or do not agree on the potential impact of this missense change (SIFT: "Tolerated"; PolyPhen-2: "Probably Damaging"; Align-GVGD: "Class C0"). In summary, the available evidence is currently insufficient to determine the role of this variant in disease. Therefore, it has been classified as a Variant of Uncertain Significance.

NM_001365480.1(CCDC88A):c.2490T>A (p.Asp830Glu)

Gene: CCDC88A (coiled-coil domain containing 88A; minus strand). Cytogenetic location: 2p16.1.
Variant type: single nucleotide variant.
Coding change: c.2490T>A on transcript NM_001365480.1 (MANE Select); coding-DNA position 2490, T replaced by A.
Protein change: p.Asp830Glu; replaces aspartic acid 830 with glutamic acid.
Molecular consequence: missense variant.
Genome position (GRCh38, 1-based): chr2:55,334,331, A>T on the plus strand (T>A on the coding strand, the complement: CCDC88A is on the minus strand). VCF-style: chr2-55334331-A-T. GRCh37 (hg19) VCF-style: chr2-55561467-A-T.
Other names: c.2490T>A, p.Asp830Glu (NM_001135597.2, NM_001254943.2, NM_018084.5); short protein forms D830E.
Identifiers: ClinVar variation 1348343 (VCV001348343.3), dbSNP rs1212911524, ClinGen allele CA346899150.